The following is an entry in ClinVar:

NM_019844.4(SLCO1B3):c.487G>T (p.Val163Leu)

Genes: SLCO1B3 (solute carrier organic anion transporter family member 1B3; plus strand), SLCO1B3-SLCO1B7 (SLCO1B3-SLCO1B7 readthrough; plus strand). Cytogenetic location: 12p12.2.
Variant type: single nucleotide variant.
Coding change: c.487G>T on transcript NM_019844.4 (MANE Select); coding-DNA position 487, G replaced by T.
Protein change: p.Val163Leu; replaces valine 163 with leucine.
Molecular consequence: missense variant.
Genome position (GRCh38, 1-based): chr12:20,862,417, G>T. VCF-style: chr12-20862417-G-T. GRCh37 (hg19) VCF-style: chr12-21015351-G-T.
Other names: c.487G>T, p.Val163Leu (NM_001371097.1); c.403G>T, p.Val135Leu (NM_001349920.2); short protein forms V135L, V163L.
Identifiers: ClinVar variation 4991834 (VCV004991834.1).

ClinVar aggregate classification (germline): Uncertain significance (1 of 4 stars; one submission).

Conditions:
SLCO1B3-related disorder. Also called: SLCO1B3-related condition.

Submission:

PreventionGenetics, part of Exact Sciences
Classification: Uncertain significance for SLCO1B3-related condition. Last evaluated: 2026-01-14. Review status: criteria provided, single submitter. Criteria: ACMG Guidelines, 2015. Collection method: clinical testing. Allele origin: germline.
Comment: The SLCO1B3 c.487G>T variant is predicted to result in the amino acid substitution p.Val163Leu. To our knowledge, this variant has not been reported in the literature. This variant is reported in 0.00088% of alleles in individuals of European (Non-Finnish) descent in gnomAD. At this time, the clinical significance of this variant is uncertain due to the absence of conclusive functional and genetic evidence.